The following is an entry in ClinVar:

ClinVar aggregate classification (germline): Benign. Review status: criteria provided, multiple submitters, no conflicts (2 of 4 stars). 8 submissions from 8 submitters: Benign (8). Last evaluated 2026-02-04.

Conditions:
Timothy syndrome (TS). Also called: LONG QT SYNDROME WITH SYNDACTYLY. Identifiers: Orphanet 65283, MedGen C1832916, MeSH C536962, MONDO:0010979, OMIM 601005.
Long QT syndrome (LQTS). Identifiers: MedGen C0023976, MeSH D008133, MONDO:0002442. Disease mechanism: loss of function. Inheritance: Various modes of inheritance.

Allele frequency attached by ClinVar (database versions not stated): gnomAD exomes 0.25027 and 0.25071; ESP Exome Variant Server 0.25504; 1000 Genomes Project 30x 0.25812; 1000 Genomes Project 0.26018; gnomAD 0.26899 and 0.27035; TOPMed 0.27018; ExAC 0.28643.
gnomAD v4.1: 379,297 of 1,503,642 alleles (25%); highest among the groups gnomAD compares: African/African-American, 32%; 48,977 homozygotes.

Submissions (8):

Labcorp Genetics (formerly Invitae), Labcorp
Classification: Benign for Long QT syndrome. Last evaluated: 2026-02-04. Review status: criteria provided, single submitter. Criteria: Invitae Variant Classification Sherloc (09022015). Collection method: clinical testing. Allele origin: germline.

ARUP Laboratories, Molecular Genetics and Genomics, ARUP Laboratories
Classification: Benign. Last evaluated: 2025-07-23. Review status: criteria provided, single submitter. Criteria: ARUP Molecular Germline Variant Investigation Process 2024. Collection method: clinical testing. Allele origin: germline.

Blueprint Genetics
Classification: Benign. Last evaluated: 2024-11-27. Review status: criteria provided, single submitter. Criteria: ACMG Guidelines, 2015. Collection method: clinical testing. Allele origin: germline.

Genome-Nilou Lab
Classification: Benign for Timothy syndrome. Last evaluated: 2021-07-14. Review status: criteria provided, single submitter. Criteria: ACMG Guidelines, 2015. Collection method: clinical testing. Allele origin: germline. Affected: no.

Eurofins Ntd Llc (ga)
Classification: Benign. Last evaluated: 2013-07-23. Review status: criteria provided, single submitter. Criteria: EGL Classification Definitions 2015. Collection method: clinical testing. Allele origin: germline. Observed: 6 variant alleles, 5 heterozygotes, 1 homozygote.

GeneDx
Classification: Benign. Last evaluated: 2011-07-10. Review status: criteria provided, single submitter. Criteria: GeneDx Variant Classification (06012015). Collection method: clinical testing. Allele origin: germline. Affected: yes.
Comment: This variant is considered likely benign or benign based on one or more of the following criteria: it is a conservative change, it occurs at a poorly conserved position in the protein, it is predicted to be benign by multiple in silico algorithms, and/or has population frequency not consistent with disease.

Breakthrough Genomics
Classification: Benign. Review status: criteria provided, single submitter. Criteria: ACMG Guidelines, 2015. Collection method: not provided. Allele origin: germline. Inheritance: Autosomal dominant inheritance. Affected: yes.

PreventionGenetics, part of Exact Sciences
Classification: Benign. Review status: criteria provided, single submitter. Criteria: ACMG Guidelines, 2015. Collection method: clinical testing. Allele origin: germline.

NM_000719.7(CACNA1C):c.617+17G>A

Gene: CACNA1C (calcium voltage-gated channel subunit alpha1 C; plus strand). Cytogenetic location: 12p13.33.
Variant type: single nucleotide variant.
Coding change: c.617+17G>A on transcript NM_000719.7 (MANE Select); 17 bases into the intron after coding-DNA position 617, G replaced by A.
Molecular consequence: intron variant.
Genome position (GRCh38, 1-based): chr12:2,449,132, G>A. VCF-style: chr12-2449132-G-A. GRCh37 (hg19) VCF-style: chr12-2558298-G-A.
Other names: c.617+17G>A (NM_001167624.3, NM_001167623.2, NM_001167625.2 and 19 more transcripts).
Identifiers: ClinVar variation 93420 (VCV000093420.34), dbSNP rs1544515, ClinGen allele CA146951.
Genomic context (GRCh38, chr12:2,449,132, plus strand): 5'-CGCAACGGCTGGAACCTACTAGATTTTATAATTGTGGTTGTGGGGTAAGTATCACTGTCT[G>A]TTTCTTTCCCTTTATCTTACCAGTGTTGCGGGACTTTTCCTTAAGTCAGCTGAAGACAGG-3'